The following is an entry in ClinVar:

ClinVar aggregate classification (germline): Uncertain significance (1 of 4 stars; one submission).

Conditions:
Autosomal dominant nonsyndromic hearing loss 1. Also called: DEAFNESS, AUTOSOMAL DOMINANT 1, WITH OR WITHOUT THROMBOCYTOPENIA; KONIGSMARK SYNDROME. Identifiers: Orphanet 90635, MedGen C1852282, MONDO:0007424, OMIM 124900.
Progressive microcephaly-seizures-cortical blindness-developmental delay syndrome. Also called: Seizures, cortical blindness, and microcephaly syndrome. Identifiers: Orphanet 477814, MedGen C5567650, MONDO:0014714, OMIM 616632.

Allele frequency attached by ClinVar (database versions not stated): gnomAD 0.00001; gnomAD exomes 0.00001 and 0.00002.
gnomAD v4.1: 25 of 1,611,884 alleles (0.0016%); highest among the groups gnomAD compares: South Asian, 0.0077%; no homozygotes.

Submission:

Labcorp Genetics (formerly Invitae), Labcorp
Classification: Uncertain significance for Progressive microcephaly-seizures-cortical blindness-developmental delay syndrome; Autosomal dominant nonsyndromic hearing loss 1. Last evaluated: 2025-07-19. Review status: criteria provided, single submitter. Criteria: Invitae Variant Classification Sherloc (09022015). Collection method: clinical testing. Allele origin: germline.
Comment: This sequence change replaces arginine, which is basic and polar, with tryptophan, which is neutral and slightly polar, at codon 43 of the DIAPH1 protein (p.Arg43Trp). This variant is present in population databases (no rsID available, gnomAD 0.007%). This variant has not been reported in the literature in individuals affected with DIAPH1-related conditions. ClinVar contains an entry for this variant (Variation ID: 1494489). Experimental studies and prediction algorithms are not available or were not evaluated, and the functional significance of this variant is currently unknown. In summary, the available evidence is currently insufficient to determine the role of this variant in disease. Therefore, it has been classified as a Variant of Uncertain Significance.

NM_005219.5(DIAPH1):c.127C>T (p.Arg43Trp)

Gene: DIAPH1 (diaphanous related formin 1; minus strand). Cytogenetic location: 5q31.3.
Variant type: single nucleotide variant.
Coding change: c.127C>T on transcript NM_005219.5 (MANE Select); coding-DNA position 127, C replaced by T.
Protein change: p.Arg43Trp; replaces arginine 43 with tryptophan.
Molecular consequence: missense variant. On other transcripts: intron variant (1).
Genome position (GRCh38, 1-based): chr5:141,588,241, G>A on the plus strand (C>T on the coding strand, the complement: DIAPH1 is on the minus strand). VCF-style: chr5-141588241-G-A. GRCh37 (hg19) VCF-style: chr5-140967808-G-A.
Other names: c.127C>T, p.Arg43Trp (NM_001314007.2); c.118-1044C>T (NM_001079812.3); short protein forms R43W.
Identifiers: ClinVar variation 1494489 (VCV001494489.6), dbSNP rs1305661080, ClinGen allele CA361546973.